The following is an entry in ClinVar:

ClinVar aggregate classification (germline): Uncertain significance. Review status: criteria provided, multiple submitters, no conflicts (2 of 4 stars). 5 submissions from 5 submitters: Uncertain significance (5). Last evaluated 2024-10-16.

Conditions:
Bardet-Biedl syndrome (BBS). Identifiers: Orphanet 110, MedGen C0752166, MONDO:0015229.
Sarcotubular myopathy (LGMDR8). Also called: Autosomal recessive limb-girdle muscular dystrophy type 2H; MUSCULAR DYSTROPHY, LIMB-GIRDLE, AUTOSOMAL RECESSIVE 8; Hutterite type of muscular dystrophy; Limb-girdle muscular dystrophy, type 2H. Identifiers: Orphanet 1878, MedGen C0270968, MONDO:0009683, OMIM 254110.
Bardet-Biedl syndrome 11 (BBS11). Identifiers: Orphanet 110, MedGen C1859569, MONDO:0014439, OMIM 615988.

Allele frequency attached by ClinVar (database versions not stated): TOPMed below 0.00001; gnomAD 0.00001 and 0.00003; gnomAD exomes 0.00002; ExAC 0.00003.
gnomAD v4.1: 36 of 1,614,074 alleles (0.0022%); highest among the groups gnomAD compares: Middle Eastern, 0.049%; no homozygotes.

Submissions (5):

Blueprint Genetics
Classification: Uncertain significance. Last evaluated: 2024-10-16. Review status: criteria provided, single submitter. Criteria: ACMG Guidelines, 2015. Collection method: clinical testing. Allele origin: germline.

Fulgent Genetics
Classification: Uncertain significance for Sarcotubular myopathy; Bardet-Biedl syndrome 11. Last evaluated: 2024-05-31. Review status: criteria provided, single submitter. Criteria: ACMG Guidelines, 2015. Collection method: clinical testing. Allele origin: germline.

Revvity Omics, Revvity
Classification: Uncertain significance. Last evaluated: 2023-12-01. Review status: criteria provided, single submitter. Criteria: ACMG Guidelines, 2015. Collection method: clinical testing. Allele origin: germline.

Labcorp Genetics (formerly Invitae), Labcorp
Classification: Uncertain significance for Bardet-Biedl syndrome. Last evaluated: 2022-04-23. Review status: criteria provided, single submitter. Criteria: Invitae Variant Classification Sherloc (09022015). Collection method: clinical testing. Allele origin: germline.
Comment: This sequence change replaces glutamic acid, which is acidic and polar, with lysine, which is basic and polar, at codon 93 of the TRIM32 protein (p.Glu93Lys). This variant is present in population databases (rs754449534, gnomAD 0.01%). This variant has not been reported in the literature in individuals affected with TRIM32-related conditions. ClinVar contains an entry for this variant (Variation ID: 863060). Algorithms developed to predict the effect of missense changes on protein structure and function (SIFT, PolyPhen-2, Align-GVGD) all suggest that this variant is likely to be tolerated. In summary, the available evidence is currently insufficient to determine the role of this variant in disease. Therefore, it has been classified as a Variant of Uncertain Significance.

Breakthrough Genomics
Classification: Uncertain significance. Review status: criteria provided, single submitter. Criteria: ACMG Guidelines, 2015. Collection method: not provided. Allele origin: germline. Inheritance: Autosomal recessive inheritance. Affected: yes.

NM_012210.4(TRIM32):c.277G>A (p.Glu93Lys)

Genes: ASTN2 (astrotactin 2; minus strand), TRIM32 (tripartite motif containing 32; plus strand). Cytogenetic location: 9q33.1.
Variant type: single nucleotide variant.
Coding change: c.277G>A on transcript NM_012210.4 (MANE Select); coding-DNA position 277, G replaced by A.
Protein change: p.Glu93Lys; replaces glutamic acid 93 with lysine.
Molecular consequence: missense variant. On other transcripts: intron variant (3).
Genome position (GRCh38, 1-based): chr9:116,698,019, G>A. VCF-style: chr9-116698019-G-A. GRCh37 (hg19) VCF-style: chr9-119460298-G-A.
Other names: c.277G>A, p.Glu93Lys (NM_001099679.2, NM_001379048.1, NM_001379049.1 and 1 more transcripts); c.2653+27752C>T (NM_014010.5); c.2794+27752C>T (NM_001365069.1); c.2806+27752C>T (NM_001365068.1); short protein forms E93K.
Identifiers: ClinVar variation 863060 (VCV000863060.10), dbSNP rs754449534, ClinGen allele CA5210934.